The following is an entry in ClinVar:

NM_000257.4(MYH7):c.975C>T (p.Asp325=)

Gene: MYH7 (myosin heavy chain 7; minus strand). Cytogenetic location: 14q11.2.
Variant type: single nucleotide variant.
Coding change: c.975C>T on transcript NM_000257.4 (MANE Select); coding-DNA position 975, C replaced by T.
Protein change: p.Asp325=; no amino-acid change (aspartic acid 325 retained).
Molecular consequence: synonymous variant.
Genome position (GRCh38, 1-based): chr14:23,430,584, G>A on the plus strand (C>T on the coding strand, the complement: MYH7 is on the minus strand). VCF-style: chr14-23430584-G-A. GRCh37 (hg19) VCF-style: chr14-23899793-G-A.
Other names: NM_000257.3(MYH7):c.975C>T.
Identifiers: ClinVar variation 43116 (VCV000043116.58), dbSNP rs2231124, ClinGen allele CA017055.
Genomic context (GRCh38, chr14:23,430,584, plus strand): 5'-TCCTCCCACCCCCTGGCTGGGTCCTCACACACTCACATCAGTGGCCATGAGCTCCTCAGC[G>A]TCATCAATGGAGGCCACGGTGGTCTCTCCTTGGGAGATGAATGCATAATCGTAGGGGTTG-3'
Protein context (NP_000248.2, residues 315-335): QGETTVASID[Asp325=]AEELMATDNA

ClinVar aggregate classification (germline): Benign. Review status: reviewed by expert panel (3 of 4 stars). 25 submissions from 23 submitters: Benign (1). 24 of the submissions do not count toward it. Last evaluated 2025-11-11.

Conditions:
Myosin storage myopathy (CMYO7A). Also called: MYOPATHY WITH LYSIS OF TYPE I MYOFIBRILS; MYOPATHY, HYALINE BODY, AUTOSOMAL DOMINANT; MYH7-related late-onset scapuloperoneal muscular dystrophy; Congenital myopathy 7A, myosin storage, autosomal dominant; SCAPULOPERONEAL MUSCULAR DYSTROPHY; SCAPULOPERONEAL SYNDROME, MYOPATHIC TYPE. Identifiers: Orphanet 437572, Orphanet 636965, MedGen C1842160, MONDO:0008409, OMIM 608358.
Cardiovascular phenotype. Identifiers: MedGen CN230736.
Cardiomyopathy (CMYO). Also called: Cardiomyopathies. Identifiers: Orphanet 167848, MedGen C0878544, MONDO:0004994, HP:0001638. Inheritance: Various modes of inheritance.
Hypertrophic cardiomyopathy 1 (CMH1). Also called: MYH7-Related Familial Hypertrophic Cardiomyopathy; Familial hypertrophic cardiomyopathy 1. Identifiers: MedGen C3495498, MONDO:0008647, OMIM 192600.
MYH7-related skeletal myopathy. Also called: Myopathy, distal, 1; Laing distal myopathy; Laing early-onset distal myopathy; MYOPATHY, DISTAL, EARLY-ONSET, AUTOSOMAL DOMINANT; MYOPATHY, LATE DISTAL HEREDITARY. Identifiers: Orphanet 59135, MedGen C4552004, MONDO:0008050, OMIM 160500.
Hypertrophic cardiomyopathy. Also called: HYPERTROPHIC MYOCARDIOPATHY. Identifiers: Orphanet 217569, MedGen C0007194, MeSH D002312, MONDO:0005045, HP:0001639.

Allele frequency attached by ClinVar (database versions not stated): 1000 Genomes Project 0.01458; 1000 Genomes Project 30x 0.01499; gnomAD 0.01847 and 0.01865; TOPMed 0.01963; gnomAD exomes 0.02047 and 0.02582; ExAC 0.02085; ESP Exome Variant Server 0.02099.
gnomAD v4.1: 40,727 of 1,613,710 alleles (2.5%); highest among the groups gnomAD compares: Middle Eastern, 3.8%; 592 homozygotes.

Submissions (25):

ClinGen Cardiomyopathy Variant Curation Expert Panel
Classification: Benign for Hypertrophic cardiomyopathy. Last evaluated: 2025-11-11. Review status: reviewed by expert panel. Criteria: ClinGen CMP ACMG Specifications v1. Collection method: curation. Allele origin: germline. Inheritance: Autosomal dominant inheritance.
Comment: The filtering allele frequency of the c.975C>T (p.Asp325=) variant in the MYH7 gene is 2.82% (1920/65662) of European chromosomes by the Exome Aggregation Consortium, which is a high enough frequency to be classified as benign based on thresholds defined by the ClinGen Inherited Cardiomyopathy Expert Panel (BA1; PMID:29300372).

Labcorp Genetics (formerly Invitae), Labcorp
Classification: Benign for Hypertrophic cardiomyopathy. Last evaluated: 2026-02-04. Review status: criteria provided, single submitter. Criteria: Invitae Variant Classification Sherloc (09022015). Collection method: clinical testing. Allele origin: germline. Not counted in ClinVar's aggregate classification.

ARUP Laboratories, Molecular Genetics and Genomics, ARUP Laboratories
Classification: Benign. Last evaluated: 2025-07-28. Review status: criteria provided, single submitter. Criteria: ARUP Molecular Germline Variant Investigation Process 2024. Collection method: clinical testing. Allele origin: germline. Not counted in ClinVar's aggregate classification.

Blueprint Genetics
Classification: Likely benign. Last evaluated: 2024-11-27. Review status: criteria provided, single submitter. Criteria: ACMG Guidelines, 2015. Collection method: clinical testing. Allele origin: germline. Not counted in ClinVar's aggregate classification.

Cohesion Phenomics
Classification: Benign for Hypertrophic Cardiomyopathy. Last evaluated: 2022-10-10. Review status: criteria provided, single submitter. Criteria: ACMG Guidelines, 2015. Collection method: clinical testing. Allele origin: germline. Affected: yes. Not counted in ClinVar's aggregate classification.

Mayo Clinic Laboratories, Mayo Clinic
Classification: Benign. Last evaluated: 2021-12-27. Review status: criteria provided, single submitter. Criteria: ACMG Guidelines, 2015. Collection method: clinical testing. Allele origin: germline. Observed: 104 variant alleles. Not counted in ClinVar's aggregate classification.

Molecular Diagnostic Laboratory for Inherited Cardiovascular Disease, Montreal Heart Institute
Classification: Benign. Last evaluated: 2019-09-20. Review status: criteria provided, single submitter. Criteria: ACMG Guidelines, 2015. Collection method: clinical testing. Allele origin: germline. Affected: yes. Not counted in ClinVar's aggregate classification.

Athena Diagnostics
Classification: Benign. Last evaluated: 2018-06-18. Review status: criteria provided, single submitter. Criteria: Athena Diagnostics Criteria. Collection method: clinical testing. Allele origin: germline. Not counted in ClinVar's aggregate classification.

Knight Diagnostic Laboratories, Oregon Health and Sciences University
Classification: Likely benign. Last evaluated: 2018-05-22. Review status: criteria provided, single submitter. Criteria: ACMG Guidelines, 2015. Collection method: clinical testing. Allele origin: germline. Observed: 1 variant allele. Not counted in ClinVar's aggregate classification.

Color Diagnostics, LLC DBA Color Health
Classification: Benign for Cardiomyopathy. Last evaluated: 2018-03-15. Review status: criteria provided, single submitter. Criteria: ACMG Guidelines, 2015. Collection method: clinical testing. Allele origin: germline. Not counted in ClinVar's aggregate classification.

Illumina Laboratory Services, Illumina
Classification: Likely benign for Hypertrophic cardiomyopathy 1. Last evaluated: 2018-01-13. Review status: criteria provided, single submitter. Criteria: ICSL Variant Classification Criteria 13 December 2019. Collection method: clinical testing. Allele origin: germline. Not counted in ClinVar's aggregate classification.
Comment: This variant was observed in the ICSL laboratory as part of a predisposition screen in an ostensibly healthy population. It had not been previously curated by ICSL or reported in the Human Gene Mutation Database (HGMD: prior to June 1st, 2018), and was therefore a candidate for classification through an automated scoring system. Utilizing variant allele frequency, disease prevalence and penetrance estimates, and inheritance mode, an automated score was calculated to assess if this variant is too frequent to cause the disease. Based on the score and internal cut-off values, a variant classified as likely benign is not then subjected to further curation. The score for this variant resulted in a classification of likely benign for this disease.

Illumina Laboratory Services, Illumina
Classification: Benign for MYH7-related skeletal myopathy. Last evaluated: 2018-01-13. Review status: criteria provided, single submitter. Criteria: ICSL Variant Classification Criteria 13 December 2019. Collection method: clinical testing. Allele origin: germline. Not counted in ClinVar's aggregate classification.
Comment: This variant was observed in the ICSL laboratory as part of a predisposition screen in an ostensibly healthy population. It had not been previously curated by ICSL or reported in the Human Gene Mutation Database (HGMD: prior to June 1st, 2018), and was therefore a candidate for classification through an automated scoring system. Utilizing variant allele frequency, disease prevalence and penetrance estimates, and inheritance mode, an automated score was calculated to assess if this variant is too frequent to cause the disease. Based on the score and internal cut-off values, a variant classified as benign is not then subjected to further curation. The score for this variant resulted in a classification of benign for this disease.

Illumina Laboratory Services, Illumina
Classification: Benign for Myosin storage myopathy. Last evaluated: 2018-01-13. Review status: criteria provided, single submitter. Criteria: ICSL Variant Classification Criteria 13 December 2019. Collection method: clinical testing. Allele origin: germline. Not counted in ClinVar's aggregate classification.
Comment: the same text as in the submission from Illumina Laboratory Services, Illumina above.

Ambry Genetics
Classification: Benign for Cardiovascular phenotype. Last evaluated: 2015-06-29. Review status: criteria provided, single submitter. Criteria: Ambry Variant Classification Scheme 2023. Collection method: clinical testing. Allele origin: germline. Not counted in ClinVar's aggregate classification.

GeneDx
Classification: Benign. Last evaluated: 2015-03-03. Review status: criteria provided, single submitter. Criteria: GeneDx Variant Classification Process June 2021. Collection method: clinical testing. Allele origin: germline. Affected: yes. Not counted in ClinVar's aggregate classification.

Laboratory for Molecular Medicine, Mass General Brigham Personalized Medicine
Classification: Benign. Last evaluated: 2008-01-18. Review status: criteria provided, single submitter. Criteria: LMM Criteria. Collection method: clinical testing. Allele origin: germline. Observed: 244 variant alleles. Not counted in ClinVar's aggregate classification.

Breakthrough Genomics
Classification: Benign. Review status: criteria provided, single submitter. Criteria: ACMG Guidelines, 2015. Collection method: not provided. Allele origin: germline. Inheritance: Autosomal recessive inheritance. Affected: yes. Not counted in ClinVar's aggregate classification.

PreventionGenetics, part of Exact Sciences
Classification: Benign. Review status: criteria provided, single submitter. Criteria: ACMG Guidelines, 2015. Collection method: clinical testing. Allele origin: germline. Not counted in ClinVar's aggregate classification.

Clinical Genetics DNA and cytogenetics Diagnostics Lab, Erasmus MC, Erasmus Medical Center
Classification: Benign. Review status: no assertion criteria provided. Collection method: clinical testing. Allele origin: germline. Affected: yes. Study: VKGL Data-share Consensus. Not counted in ClinVar's aggregate classification.

Clinical Genetics, Academic Medical Center
Classification: Benign. Review status: no assertion criteria provided. Collection method: clinical testing. Allele origin: germline. Affected: yes. Study: VKGL Data-share Consensus. Not counted in ClinVar's aggregate classification.

Diagnostic Laboratory, Department of Genetics, University Medical Center Groningen
Classification: Benign. Review status: no assertion criteria provided. Collection method: clinical testing. Allele origin: germline. Affected: yes. Study: VKGL Data-share Consensus. Not counted in ClinVar's aggregate classification.

Genetic Services Laboratory, University of Chicago
Classification: Likely benign for AllHighlyPenetrant. Review status: no assertion criteria provided. Collection method: clinical testing. Allele origin: germline. Inheritance: Autosomal dominant inheritance. Not counted in ClinVar's aggregate classification.
Comment: Likely benign based on allele frequency in 1000 Genomes Project or ESP global frequency and its presence in a patient with a rare or unrelated disease phenotype. NOT Sanger confirmed.

Genome Diagnostics Laboratory, University Medical Center Utrecht
Classification: Benign. Review status: no assertion criteria provided. Collection method: clinical testing. Allele origin: germline. Affected: yes. Study: VKGL Data-share Consensus. Not counted in ClinVar's aggregate classification.

Joint Genome Diagnostic Labs from Nijmegen and Maastricht, Radboudumc and MUMC+
Classification: Benign. Review status: no assertion criteria provided. Collection method: clinical testing. Allele origin: germline. Affected: yes. Study: VKGL Data-share Consensus. Not counted in ClinVar's aggregate classification.

Laboratory of Diagnostic Genome Analysis, Leiden University Medical Center (LUMC)
Classification: Likely benign. Review status: no assertion criteria provided. Collection method: clinical testing. Allele origin: germline. Affected: yes. Study: VKGL Data-share Consensus. Not counted in ClinVar's aggregate classification.

Literature cited by the submitters: PubMed 29300372 (cited by ClinGen Cardiomyopathy Variant Curation Expert Panel); PubMed 12379228 (cited by Athena Diagnostics); PubMed 25342278 (cited by Athena Diagnostics); PubMed 24721642 (cited by Athena Diagnostics).